The following is an entry in ClinVar:

ClinVar aggregate classification (germline): Conflicting classifications of pathogenicity. Review status: criteria provided, conflicting classifications (1 of 4 stars). 3 submissions from 3 submitters: Uncertain significance (2); Likely benign (1). Last evaluated 2026-04-01.

Conditions:
Cutis laxa, autosomal recessive, type 1B (ARCL1B). Also called: CUTIS LAXA, AUTOSOMAL RECESSIVE, TYPE IB; EFEMP2-Related Cutis Laxa. Identifiers: Orphanet 90349, MedGen C3280798, MONDO:0013754, OMIM 614437. Disease mechanism: loss of function.

Allele frequency attached by ClinVar (database versions not stated): gnomAD exomes 0.00008 and 0.00026; TOPMed 0.00008; ExAC 0.00009; gnomAD 0.00009 and 0.00011; ESP Exome Variant Server 0.00038.

Submissions (3):

CeGaT Center for Human Genetics Tuebingen
Classification: Uncertain significance. Last evaluated: 2026-04-01. Review status: criteria provided, single submitter. Criteria: CeGaT Center For Human Genetics Tuebingen Variant Classification Criteria Version 2. Collection method: clinical testing. Allele origin: germline. Affected: yes. Observed: 1 variant allele.
Comment: EFEMP2: PM2, PP3

Labcorp Genetics (formerly Invitae), Labcorp
Classification: Likely benign for Cutis laxa, autosomal recessive, type 1B. Last evaluated: 2026-01-28. Review status: criteria provided, single submitter. Criteria: Invitae Variant Classification Sherloc (09022015). Collection method: clinical testing. Allele origin: germline.

GeneDx
Classification: Uncertain significance. Last evaluated: 2025-03-04. Review status: criteria provided, single submitter. Criteria: GeneDx Variant Classification Process June 2021. Collection method: clinical testing. Allele origin: germline. Affected: yes.
Comment: In silico analysis supports a deleterious effect on splicing; Has not been previously published as pathogenic or benign to our knowledge

NM_016938.5(EFEMP2):c.975-11G>A

Gene: EFEMP2 (EGF-like fibulin extracellular matrix protein 2; minus strand). Cytogenetic location: 11q13.1.
Variant type: single nucleotide variant.
Coding change: c.975-11G>A on transcript NM_016938.5 (MANE Select); 11 bases into the intron before coding-DNA position 975, G replaced by A.
Molecular consequence: intron variant.
Genome position (GRCh38, 1-based): chr11:65,868,067, C>T on the plus strand (G>A on the coding strand, the complement: EFEMP2 is on the minus strand). VCF-style: chr11-65868067-C-T. GRCh37 (hg19) VCF-style: chr11-65635538-C-T.
Identifiers: ClinVar variation 1630103 (VCV001630103.11), dbSNP rs376275864, ClinGen allele CA6110444.
Genomic context (GRCh38, chr11:65,868,067, plus strand): 5'-ATGAAGGCTGCTCTCGACATAGAGGGTTGGAGGCCGGGCAGAGACAGCGGCTAGAGACCC[C>T]GAGGTGGGGGACACAAATGAGCTCCTTGCCCGTCCCCCCAATTTCTCCTACCCTACAAAG-3'